The following is an entry in ClinVar:

ClinVar aggregate classification (germline): Uncertain significance (1 of 4 stars; one submission).

Conditions:
Encephalopathy, acute, infection-induced (herpes-specific), susceptibility to, 1. Also called: Herpes simplex encephalitis, susceptibility to, 1. Identifiers: Orphanet 1930, MedGen C2750180, MONDO:0024563, OMIM 610551.

Submission:

Labcorp Genetics (formerly Invitae), Labcorp
Classification: Uncertain significance for Encephalopathy, acute, infection-induced (herpes-specific), susceptibility to, 1. Last evaluated: 2022-09-27. Review status: criteria provided, single submitter. Criteria: Invitae Variant Classification Sherloc (09022015). Collection method: clinical testing. Allele origin: germline.
Comment: In summary, the available evidence is currently insufficient to determine the role of this variant in disease. Therefore, it has been classified as a Variant of Uncertain Significance. Algorithms developed to predict the effect of missense changes on protein structure and function are either unavailable or do not agree on the potential impact of this missense change (SIFT: "Tolerated"; PolyPhen-2: "Possibly Damaging"; Align-GVGD: "Class C0"). This variant has not been reported in the literature in individuals affected with TLR3-related conditions. This variant is not present in population databases (gnomAD no frequency). This sequence change replaces arginine, which is basic and polar, with proline, which is neutral and non-polar, at codon 890 of the TLR3 protein (p.Arg890Pro).

NM_003265.3(TLR3):c.2669G>C (p.Arg890Pro)

Gene: TLR3 (toll like receptor 3; plus strand). Cytogenetic location: 4q35.1.
Variant type: single nucleotide variant.
Coding change: c.2669G>C on transcript NM_003265.3 (MANE Select); coding-DNA position 2669, G replaced by C.
Protein change: p.Arg890Pro; replaces arginine 890 with proline.
Molecular consequence: missense variant.
Genome position (GRCh38, 1-based): chr4:186,084,827, G>C. VCF-style: chr4-186084827-G-C. GRCh37 (hg19) VCF-style: chr4-187005981-G-C.
Other names: short protein forms R890P.
Identifiers: ClinVar variation 1977368 (VCV001977368.5), dbSNP rs757231763, ClinGen allele CA358938245.